The following is an entry in ClinVar:

ClinVar aggregate classification (germline): Uncertain significance. Review status: criteria provided, multiple submitters, no conflicts (2 of 4 stars). 4 submissions from 4 submitters: Uncertain significance (4). Last evaluated 2025-05-22.

Conditions:
Inborn genetic diseases. Identifiers: MedGen C0950123, MeSH D030342.
Wilms tumor 1 (WT1). Also called: Wilms tumor, somatic. Identifiers: Orphanet 654, MedGen CN033288, MONDO:0008679, OMIM 194070.
11p partial monosomy syndrome (WAGR). Also called: WAGR Spectrum Disorder; WAGR syndrome; CHROMOSOME 11p13 DELETION SYNDROME; WAGR Complex. Identifiers: Orphanet 893, MedGen C0206115, MONDO:0008681, OMIM 194072.
Frasier syndrome. Identifiers: Orphanet 347, MedGen C0950122, MeSH D052159, MONDO:0007635, OMIM 136680.
Drash syndrome (DDS). Also called: NEPHROPATHY, WILMS TUMOR, AND GENITAL ANOMALIES; WILMS TUMOR AND PSEUDO- OR TRUE HERMAPHRODITISM. Identifiers: Orphanet 220, MedGen C0950121, MONDO:0008682, OMIM 194080.
Meacham syndrome. Also called: Meacham Winn Culler syndrome. Identifiers: Orphanet 3097, MedGen C1837026, MONDO:0012164, OMIM 608978.
Mesothelioma, malignant (MESOM). Also called: Malignant mesothelioma (disease). Identifiers: Orphanet 50251, MedGen C0345967, MONDO:0006292, OMIM 156240, HP:0100001.
Nephrotic syndrome, type 4 (NPHS4). Also called: Familial mesangial sclerosis; Nephrotic syndrome, early onset with diffuse mesangial sclerosis. Identifiers: Orphanet 656, MedGen C3151568, MONDO:0009733, OMIM 256370.

gnomAD v4.1: 1 of 1,614,214 alleles (0.000062%); highest among the groups gnomAD compares: Non-Finnish European, 0.000085%; no homozygotes.

Submissions (4):

Ambry Genetics
Classification: Uncertain significance for Inborn genetic diseases. Last evaluated: 2025-05-22. Review status: criteria provided, single submitter. Criteria: Ambry Variant Classification Scheme 2023. Collection method: clinical testing. Allele origin: germline.
Comment: The p.S341R variant (also known as c.1023C>G), located in coding exon 6 of the WT1 gene, results from a C to G substitution at nucleotide position 1023. The serine at codon 341 is replaced by arginine, an amino acid with dissimilar properties. This amino acid position is conserved. In addition, the in silico prediction for this alteration is inconclusive. Based on the available evidence, the clinical significance of this variant remains unclear.

Fulgent Genetics
Classification: Uncertain significance for Frasier syndrome; Mesothelioma, malignant; Wilms tumor 1; Drash syndrome; Nephrotic syndrome, type 4; Meacham syndrome. Last evaluated: 2024-06-12. Review status: criteria provided, single submitter. Criteria: ACMG Guidelines, 2015. Collection method: clinical testing. Allele origin: germline.

All of Us Research Program, National Institutes of Health
Classification: Uncertain significance for Wilms tumor 1. Last evaluated: 2023-11-30. Review status: criteria provided, single submitter. Criteria: ACMG Guidelines, 2015. Collection method: clinical testing. Allele origin: germline. Inheritance: Autosomal dominant inheritance. Observed: 1 variant allele, 1 heterozygote.
Comment: This study involves interpretation of variants in research participants for the purpose of population health screening. Participant phenotype was not available at the time of variant classification. Additional details can be found in publication PMID: 35346344, PMCID: PMC8962531

Labcorp Genetics (formerly Invitae), Labcorp
Classification: Uncertain significance for Wilms tumor 1; Drash syndrome; 11p partial monosomy syndrome; Frasier syndrome. Last evaluated: 2021-03-20. Review status: criteria provided, single submitter. Criteria: Invitae Variant Classification Sherloc (09022015). Collection method: clinical testing. Allele origin: germline.
Comment: In summary, the available evidence is currently insufficient to determine the role of this variant in disease. Therefore, it has been classified as a Variant of Uncertain Significance. This sequence change replaces serine with arginine at codon 341 of the WT1 protein (p.Ser341Arg). The serine residue is highly conserved and there is a moderate physicochemical difference between serine and arginine. This variant is not present in population databases (ExAC no frequency). This variant has not been reported in the literature in individuals with WT1-related conditions. Algorithms developed to predict the effect of missense changes on protein structure and function (SIFT, PolyPhen-2, Align-GVGD) all suggest that this variant is likely to be disruptive, but these predictions have not been confirmed by published functional studies and their clinical significance is uncertain.

NM_024426.6(WT1):c.1038C>G (p.Ser346Arg)

Gene: WT1 (WT1 transcription factor; minus strand). Cytogenetic location: 11p13.
Variant type: single nucleotide variant.
Coding change: c.1038C>G on transcript NM_024426.6 (MANE Select); coding-DNA position 1038, C replaced by G.
Protein change: p.Ser346Arg; replaces serine 346 with arginine.
Molecular consequence: missense variant. On other transcripts: 5 prime UTR variant (1), non-coding transcript variant (1).
Genome position (GRCh38, 1-based): chr11:32,400,023, G>C on the plus strand (C>G on the coding strand, the complement: WT1 is on the minus strand). VCF-style: chr11-32400023-G-C. GRCh37 (hg19) VCF-style: chr11-32421569-G-C.
Other names: c.987C>G, p.Ser329Arg (NM_000378.6, NM_001407045.1, NM_001407048.1 and 1 more transcripts); c.387C>G, p.Ser129Arg (NM_001198551.2); c.336C>G, p.Ser112Arg (NM_001198552.2); c.-151C>G (NM_001367854.1); c.1032C>G, p.Ser344Arg (NM_001407044.1); c.1038C>G, p.Ser346Arg (NM_001407046.1, NM_024424.5); c.915C>G, p.Ser305Arg (NM_001407047.1); c.864C>G, p.Ser288Arg (NM_001407050.1); and 3 more; short protein forms S112R, S329R, S129R, S346R, S305R, S344R, S324R, S341R.
Identifiers: ClinVar variation 1437276 (VCV001437276.12), dbSNP rs750018485, ClinGen allele CA379960493.